The following is an entry in ClinVar:

NM_006204.4(PDE6C):c.1413+3A>T

Gene: PDE6C (phosphodiesterase 6C; plus strand). Cytogenetic location: 10q23.33.
Variant type: single nucleotide variant.
Coding change: c.1413+3A>T on transcript NM_006204.4 (MANE Select); 3 bases into the intron after coding-DNA position 1413, A replaced by T.
Molecular consequence: intron variant.
Genome position (GRCh38, 1-based): chr10:93,635,643, A>T. VCF-style: chr10-93635643-A-T. GRCh37 (hg19) VCF-style: chr10-95395400-A-T.
Other names: NM_006204.4:c.1413+3A>T.
Identifiers: ClinVar variation 2500896 (VCV002500896.1), dbSNP rs2492526466, ClinGen allele CA2573332002.

ClinVar aggregate classification (germline): Uncertain significance (1 of 4 stars; one submission).

Conditions:
Cone dystrophy 4 (COD4). Identifiers: Orphanet 49382, MedGen C2751308, MONDO:0013129, OMIM 613093.

Submission:

Broad Center for Mendelian Genomics, Broad Institute of MIT and Harvard
Classification: Uncertain significance for Cone dystrophy 4. Last evaluated: 2023-05-02. Review status: criteria provided, single submitter. Criteria: ACMG Guidelines, 2015. Collection method: curation. Allele origin: germline. Inheritance: Autosomal recessive inheritance.
Comment: The c.1413+3A>T variant in PDE6C has been previously reported in one homozygous individual with cone-rod dystrophy 4 (PMID: 26103963, PMID: 31574917). This variant was absent from large population studies. This variant is located in the 5‚Äô splice region. Computational tools do suggest an impact to splicing. However, this information is not predictive enough to determine pathogenicity. In summary, while there is some suspicion for a pathogenic role, the clinical significance of this variant is uncertain. ACMG/AMP Criteria applied: PM2_Supporting, PM3, PP3 (Richards 2015).